The following is an entry in ClinVar:

NM_000255.4(MMUT):c.322del (p.Arg108fs)

Gene: MMUT (methylmalonyl-CoA mutase; minus strand). Cytogenetic location: 6p12.3.
Variant type: Deletion.
Coding change: c.322del on transcript NM_000255.4 (MANE Select); coding-DNA position 322, one base deleted (C; older notation c.322delC).
Protein change: p.Arg108fs; shifts the reading frame from arginine 108.
Molecular consequence: frameshift variant.
Genome position (GRCh38, 1-based): chr6:49,459,145, G deleted on the plus strand (C on the coding strand, the reverse complement: MMUT is on the minus strand); the first of 2 consecutive G bases (chr6:49,459,145-49,459,146); deleting either gives the same sequence. VCF-style (leftmost placement, unchanged base first): chr6-49459144-CG-C. GRCh37 (hg19) VCF-style: chr6-49426857-CG-C.
Other names: short protein forms R108fs.
Identifiers: ClinVar variation 836528 (VCV000836528.7), dbSNP rs1413324756, ClinGen allele CA566931455.

ClinVar aggregate classification (germline): Pathogenic (1 of 4 stars; one submission).

Submission:

Labcorp Genetics (formerly Invitae), Labcorp
Classification: Pathogenic. Last evaluated: 2023-10-17. Review status: criteria provided, single submitter. Criteria: Invitae Variant Classification Sherloc (09022015). Collection method: clinical testing. Allele origin: germline.
Comment: This sequence change creates a premature translational stop signal (p.Arg108Alafs*72) in the MUT gene. It is expected to result in an absent or disrupted protein product. Loss-of-function variants in MUT are known to be pathogenic (PMID: 15781192). This variant is present in population databases (no rsID available, gnomAD 0.006%). This variant has not been reported in the literature in individuals affected with MUT-related conditions. ClinVar contains an entry for this variant (Variation ID: 836528). For these reasons, this variant has been classified as Pathogenic.

Literature cited by the submitters: PubMed 15781192.